The following is an entry in ClinVar:

NM_004304.5(ALK):c.3205A>G (p.Met1069Val)

Gene: ALK (ALK receptor tyrosine kinase; minus strand). Cytogenetic location: 2p23.2.
Variant type: single nucleotide variant.
Coding change: c.3205A>G on transcript NM_004304.5 (MANE Select); coding-DNA position 3205, A replaced by G.
Protein change: p.Met1069Val; replaces methionine 1069 with valine.
Molecular consequence: missense variant. On other transcripts: initiator codon variant (1).
Genome position (GRCh38, 1-based): chr2:29,223,496, T>C on the plus strand (A>G on the coding strand, the complement: ALK is on the minus strand). VCF-style: chr2-29223496-T-C. GRCh37 (hg19) VCF-style: chr2-29446362-T-C.
Other names: c.1A>G, p.Met1Val (NM_001353765.2); short protein forms M1V, M1069V.
Identifiers: ClinVar variation 2779226 (VCV002779226.3), dbSNP rs2465956123, ClinGen allele CA346465622.

ClinVar aggregate classification (germline): Uncertain significance (1 of 4 stars; one submission).

Conditions:
Neuroblastoma, susceptibility to, 3. Also called: ALK-Related Neuroblastic Tumor Susceptibility. Identifiers: Orphanet 635, MedGen C2751681, MONDO:0013083, OMIM 613014.

Submission:

Labcorp Genetics (formerly Invitae), Labcorp
Classification: Uncertain significance for Neuroblastoma, susceptibility to, 3. Last evaluated: 2023-08-29. Review status: criteria provided, single submitter. Criteria: Invitae Variant Classification Sherloc (09022015). Collection method: clinical testing. Allele origin: germline.
Comment: This variant has not been reported in the literature in individuals affected with ALK-related conditions. In summary, the available evidence is currently insufficient to determine the role of this variant in disease. Therefore, it has been classified as a Variant of Uncertain Significance. An algorithm developed to predict the effect of missense changes on protein structure and function (PolyPhen-2) suggests that this variant is likely to be tolerated. This variant is not present in population databases (gnomAD no frequency). This sequence change replaces methionine, which is neutral and non-polar, with valine, which is neutral and non-polar, at codon 1069 of the ALK protein (p.Met1069Val).